The following is an entry in ClinVar:

ClinVar aggregate classification (germline): Conflicting classifications of pathogenicity. Review status: criteria provided, conflicting classifications (1 of 4 stars). 7 submissions from 7 submitters: Uncertain significance (3); Likely benign (2). 2 of the submissions do not count toward it. Last evaluated 2026-01-24.

Conditions:
Alport syndrome 3b, autosomal recessive. Identifiers: MedGen C5882699, MONDO:0957811, OMIM 620536.
Autosomal dominant Alport syndrome (ATS3A). Also called: Alport syndrome dominant type; Renal failure and sensorineural hearing loss; ALPORT SYNDROME 3A, AUTOSOMAL DOMINANT. Identifiers: Orphanet 63, Orphanet 88918, MedGen C5882663, MONDO:0007086, OMIM 104200.
Inborn genetic diseases. Identifiers: MedGen C0950123, MeSH D030342.
COL4A3-related disorder. Also called: COL4A3-related condition; COL4A3-Related Disorders.

Allele frequency attached by ClinVar (database versions not stated): gnomAD exomes 0.00016; ExAC 0.00023; ESP Exome Variant Server 0.00076; 1000 Genomes Project 30x 0.00078; TOPMed 0.00068; gnomAD 0.00061 and 0.00067; 1000 Genomes Project 0.00080.
gnomAD v4.1: 163 of 1,605,096 alleles (0.01%); highest among the groups gnomAD compares: African/African-American, 0.19%; no homozygotes.

Submissions (7):

Labcorp Genetics (formerly Invitae), Labcorp
Classification: Likely benign. Last evaluated: 2026-01-24. Review status: criteria provided, single submitter. Criteria: Invitae Variant Classification Sherloc (09022015). Collection method: clinical testing. Allele origin: germline.

Blueprint Genetics
Classification: Uncertain significance. Last evaluated: 2024-10-18. Review status: criteria provided, single submitter. Criteria: ACMG Guidelines, 2015. Collection method: clinical testing. Allele origin: germline.

Molecular Genetics McLendon Clinical Laboratories, University of North Carolina at Chapel Hill
Classification: Uncertain significance for Alport syndrome 3b, autosomal recessive. Last evaluated: 2024-06-13. Review status: criteria provided, single submitter. Criteria: ACMG Guidelines, 2015. Collection method: clinical testing. Allele origin: germline.

Ambry Genetics
Classification: Uncertain significance for Inborn genetic diseases. Last evaluated: 2022-04-13. Review status: criteria provided, single submitter. Criteria: Ambry Variant Classification Scheme 2023. Collection method: clinical testing. Allele origin: germline.

GeneDx
Classification: Likely benign. Last evaluated: 2020-07-20. Review status: criteria provided, single submitter. Criteria: GeneDx Variant Classification Process June 2021. Collection method: clinical testing. Allele origin: germline. Affected: yes.

PreventionGenetics, part of Exact Sciences
Classification: Likely benign for COL4A3-related condition. Last evaluated: 2021-04-15. Review status: no assertion criteria provided. Collection method: clinical testing. Allele origin: germline. Not counted in ClinVar's aggregate classification.
Comment: This variant is classified as likely benign based on ACMG/AMP sequence variant interpretation guidelines (Richards et al. 2015 PMID: 25741868, with internal and published modifications).

Natera, Inc.
Classification: Uncertain significance for Autosomal dominant Alport syndrome. Last evaluated: 2020-04-24. Review status: no assertion criteria provided. Collection method: clinical testing. Allele origin: germline. Not counted in ClinVar's aggregate classification.

NM_000091.5(COL4A3):c.136G>A (p.Gly46Arg)

Genes: COL4A3 (collagen type IV alpha 3 chain; plus strand), MFF-DT (MFF divergent transcript; minus strand). Cytogenetic location: 2q36.3.
Variant type: single nucleotide variant.
Coding change: c.136G>A on transcript NM_000091.5 (MANE Select); coding-DNA position 136, G replaced by A.
Protein change: p.Gly46Arg; replaces glycine 46 with arginine.
Molecular consequence: missense variant.
Genome position (GRCh38, 1-based): chr2:227,238,016, G>A. VCF-style: chr2-227238016-G-A. GRCh37 (hg19) VCF-style: chr2-228102732-G-A.
Other names: short protein forms G46R.
Identifiers: ClinVar variation 684144 (VCV000684144.19), dbSNP rs200866082, ClinGen allele CA2145915.